The following is an entry in ClinVar:

ClinVar aggregate classification (germline): Likely benign. Review status: reviewed by expert panel (3 of 4 stars). 2 submissions from 2 submitters: Likely benign (1). 1 of the submissions does not count toward it. Last evaluated 2026-07-20.

Conditions:
CEP290-related ciliopathy. Also called: CEP290 ciliopathy. Identifiers: MedGen CN305601, MONDO:0100451.
Meckel-Gruber syndrome. Also called: Dysencephalia splachnocystica; DYSENCEPHALIA SPLANCHNOCYSTICA; GRUBER SYNDROME. Identifiers: Orphanet 564, MedGen C0265215, MONDO:0018921.
Nephronophthisis. Also called: Juvenile Nephronophthisis. Identifiers: Orphanet 655, MedGen C0687120, MONDO:0019005, HP:0000090.
Joubert syndrome. Also called: JOUBERT-BOLTSHAUSER SYNDROME; Familial aplasia of the vermis. Identifiers: Orphanet 475, MedGen C5979921, MONDO:0018772.

Allele frequency attached by ClinVar (database versions not stated): TOPMed below 0.00001.
gnomAD v4.1: 2 of 1,308,616 alleles (0.00015%); highest among the groups gnomAD compares: Non-Finnish European, 0.00021%; no homozygotes.

Submissions (2):

ClinGen Leber Congenital Amaurosis/early Onset Retinal Dystrophy Variant Curation Expert Panel, ClinGen
Classification: Likely benign for CEP290-related ciliopathy. Last evaluated: 2026-07-20. Review status: reviewed by expert panel. Criteria: ClinGen LCAeoRD ACMG Specifications CEP290 V1.0.0. Collection method: curation. Allele origin: germline. Inheritance: Autosomal recessive inheritance.
Comment: NM_025114.4(CEP290):c.7129+20A>G is an intronic variant in intron 52 that does not have predicted impact on CEP290 splicing (BP7) - the splicing impact predictor SpliceAI gives a delta score of 0.00, which is below the ClinGen LCA / eoRD VCEP recommended threshold of <0.1(BP4). This variant is present in gnomAD v4.1.1 at a total allele frequency of 0.0000015, with 2 alleles /1308616 total alleles, which is lower than the ClinGen LCA/eoRD VCEP PM2_Supporting threshold of <0.0006 (PM2_Supporting). In summary, this variant meets the criteria to be classified as Likely Benign for CEP290-related ciliopathy based on the ACMG/AMP criteria applied, as specified by the ClinGen LCA/eoRD VCEP: BP7, BP4, and PM2_Supporting. (LCA/eoRD VCEP Specifications for CEP290 Version 1.0.0)

Labcorp Genetics (formerly Invitae), Labcorp
Classification: Likely benign for Joubert syndrome; Meckel-Gruber syndrome; Nephronophthisis. Last evaluated: 2022-03-11. Review status: criteria provided, single submitter. Criteria: Invitae Variant Classification Sherloc (09022015). Collection method: clinical testing. Allele origin: germline. Not counted in ClinVar's aggregate classification.

NM_025114.4(CEP290):c.7129+20A>G

Gene: CEP290 (centrosomal protein 290; minus strand). Cytogenetic location: 12q21.32.
Variant type: single nucleotide variant.
Coding change: c.7129+20A>G on transcript NM_025114.4 (MANE Select); 20 bases into the intron after coding-DNA position 7129, A replaced by G.
Molecular consequence: intron variant.
Genome position (GRCh38, 1-based): chr12:88,053,632, T>C on the plus strand (A>G on the coding strand, the complement: CEP290 is on the minus strand). VCF-style: chr12-88053632-T-C. GRCh37 (hg19) VCF-style: chr12-88447409-T-C.
Other names: NM_025114.4:c.7129+20A>G.
Identifiers: ClinVar variation 2157068 (VCV002157068.5), dbSNP rs1303507745, ClinGen allele CA693037096.